The following is an entry in ClinVar:

NM_021830.5(TWNK):c.799C>G (p.Leu267Val)

Gene: TWNK (twinkle mtDNA helicase; plus strand). Cytogenetic location: 10q24.31.
Variant type: single nucleotide variant.
Coding change: c.799C>G on transcript NM_021830.5 (MANE Select); coding-DNA position 799, C replaced by G.
Protein change: p.Leu267Val; replaces leucine 267 with valine.
Molecular consequence: missense variant. On other transcripts: non-coding transcript variant (4), intron variant (3).
Genome position (GRCh38, 1-based): chr10:100,989,009, C>G. VCF-style: chr10-100989009-C-G. GRCh37 (hg19) VCF-style: chr10-102748766-C-G.
Other names: c.799C>G, p.Leu267Val (NM_001163812.2); c.-119-635C>G (NM_001163814.2, NM_001163813.2); c.-57-697C>G (NM_001368275.1); short protein forms L267V.
Identifiers: ClinVar variation 382496 (VCV000382496.5), dbSNP rs139419993, ClinGen allele CA5653119.

ClinVar aggregate classification (germline): Uncertain significance. Review status: criteria provided, multiple submitters, no conflicts (2 of 4 stars). 2 submissions from 2 submitters: Uncertain significance (2). Last evaluated 2025-10-04.

Allele frequency attached by ClinVar (database versions not stated): gnomAD 0.00001; ExAC 0.00002; gnomAD exomes 0.00002; TOPMed 0.00003; ESP Exome Variant Server 0.00023.

Submissions (2):

Labcorp Genetics (formerly Invitae), Labcorp
Classification: Uncertain significance. Last evaluated: 2025-10-04. Review status: criteria provided, single submitter. Criteria: Invitae Variant Classification Sherloc (09022015). Collection method: clinical testing. Allele origin: germline.
Comment: This sequence change replaces leucine, which is neutral and non-polar, with valine, which is neutral and non-polar, at codon 267 of the TWNK protein (p.Leu267Val). This variant is present in population databases (rs139419993, gnomAD 0.04%). This variant has not been reported in the literature in individuals affected with TWNK-related conditions. ClinVar contains an entry for this variant (Variation ID: 382496). Invitae Evidence Modeling of protein sequence and biophysical properties (such as structural, functional, and spatial information, amino acid conservation, physicochemical variation, residue mobility, and thermodynamic stability) indicates that this missense variant is not expected to disrupt TWNK protein function with a negative predictive value of 80%. In summary, the available evidence is currently insufficient to determine the role of this variant in disease. Therefore, it has been classified as a Variant of Uncertain Significance.

GeneDx
Classification: Uncertain significance. Last evaluated: 2016-01-25. Review status: criteria provided, single submitter. Criteria: GeneDx Variant Classification (06012015). Collection method: clinical testing. Allele origin: germline. Affected: yes.
Comment: The L267V variant in the C10orf2 gene has not been reported previously as a pathogenic variant, nor as a benign variant, to our knowledge. The L267V variant was not observed at any significant frequency in approximately 6500 individuals of European and African American ancestry in the NHLBI Exome Sequencing Project, indicating it is not a common benign variant in these populations. The L267V variant is a conservative amino acid substitution, which is not likely to impact secondary protein structure as these residues share similar properties. This substitution occurs at a position where amino acids with similar properties to Valine are tolerated across species. In silico analysis is inconsistent in its predictions as to whether or not the variant is damaging to the protein structure/function. We interpret L267V as a variant of uncertain significance.